The following is an entry in ClinVar:

ClinVar aggregate classification (germline): Uncertain significance. Review status: criteria provided, multiple submitters, no conflicts (2 of 4 stars). 2 submissions from 2 submitters: Uncertain significance (2). Last evaluated 2024-08-05.

Allele frequency attached by ClinVar (database versions not stated): TOPMed below 0.00001; gnomAD 0.00001; gnomAD exomes 0.00001.

Submissions (2):

Mayo Clinic Laboratories, Mayo Clinic
Classification: Uncertain significance. Last evaluated: 2024-08-05. Review status: criteria provided, single submitter. Criteria: ACMG Guidelines, 2015. Collection method: clinical testing. Allele origin: germline. Observed: 1 variant allele.
Comment: BP4

Labcorp Genetics (formerly Invitae), Labcorp
Classification: Uncertain significance. Last evaluated: 2022-02-10. Review status: criteria provided, single submitter. Criteria: Invitae Variant Classification Sherloc (09022015). Collection method: clinical testing. Allele origin: germline.
Comment: This sequence change replaces arginine, which is basic and polar, with histidine, which is basic and polar, at codon 35 of the HPS6 protein (p.Arg35His). The frequency data for this variant in the population databases is considered unreliable, as metrics indicate poor data quality at this position in the gnomAD database. This variant has not been reported in the literature in individuals affected with HPS6-related conditions. Algorithms developed to predict the effect of missense changes on protein structure and function are either unavailable or do not agree on the potential impact of this missense change (SIFT: "Tolerated"; PolyPhen-2: "Probably Damaging"; Align-GVGD: "Class C0"). In summary, the available evidence is currently insufficient to determine the role of this variant in disease. Therefore, it has been classified as a Variant of Uncertain Significance.

NM_024747.6(HPS6):c.104G>A (p.Arg35His)

Genes: HPS6 (HPS6 biogenesis of lysosomal organelles complex 2 subunit 3; plus strand), LOC130004578 (ATAC-STARR-seq lymphoblastoid silent region 2738; plus strand). Cytogenetic location: 10q24.32.
Variant type: single nucleotide variant.
Coding change: c.104G>A on transcript NM_024747.6 (MANE Select); coding-DNA position 104, G replaced by A.
Protein change: p.Arg35His; replaces arginine 35 with histidine.
Molecular consequence: missense variant.
Genome position (GRCh38, 1-based): chr10:102,065,578, G>A. VCF-style: chr10-102065578-G-A. GRCh37 (hg19) VCF-style: chr10-103825335-G-A.
Other names: p.Arg35His; short protein forms R35H.
Identifiers: ClinVar variation 1353352 (VCV001353352.6), dbSNP rs1371843354, ClinGen allele CA377854394.
Genomic context (GRCh38, chr10:102,065,578, plus strand): 5'-CCTTCGGCGGCGCGGCGCGGCTCCGGGAGCTGGTGGCCGGGGACTCAGCGGTCCGAGTCC[G>A]TGGCAGTCCGGACGGCCGCCACTTGCTGCTCCTGCGACCCCCTGGGGCGGTAGCCCCACA-3'
Protein context (NP_079023.2, residues 25-45): LVAGDSAVRV[Arg35His]GSPDGRHLLL